The following is an entry in ClinVar:

NM_001854.4(COL11A1):c.1927G>A (p.Gly643Ser)

Gene: COL11A1 (collagen type XI alpha 1 chain; minus strand). Cytogenetic location: 1p21.1.
Variant type: single nucleotide variant.
Coding change: c.1927G>A on transcript NM_001854.4 (MANE Select); coding-DNA position 1927, G replaced by A.
Protein change: p.Gly643Ser; replaces glycine 643 with serine.
Molecular consequence: missense variant. On other transcripts: non-coding transcript variant (1).
Genome position (GRCh38, 1-based): chr1:103,004,461, C>T on the plus strand (G>A on the coding strand, the complement: COL11A1 is on the minus strand). VCF-style: chr1-103004461-C-T. GRCh37 (hg19) VCF-style: chr1-103470017-C-T.
Other names: c.1810G>A, p.Gly604Ser (NM_001190709.2); c.1963G>A, p.Gly655Ser (NM_080629.3); c.1579G>A, p.Gly527Ser (NM_080630.4); short protein forms G643S, G655S, G527S, G604S.
Identifiers: ClinVar variation 5009866 (VCV005009866.1).

ClinVar aggregate classification (germline): Uncertain significance (1 of 4 stars; one submission).

Submission:

GeneDx
Classification: Uncertain significance. Last evaluated: 2026-02-23. Review status: criteria provided, single submitter. Criteria: GeneDx Variant Classification Process June 2021. Collection method: clinical testing. Allele origin: germline.
Comment: Not observed at significant frequency in large population cohorts (gnomAD); In silico analysis supports that this missense variant has a deleterious effect on protein structure/function; Has not been previously published as pathogenic or benign to our knowledge; This variant is associated with the following publications: (PMID: 25240749)